The following is an entry in ClinVar:

ClinVar aggregate classification (germline): Pathogenic (1 of 4 stars; one submission).

Submission:

ISCA site 15
Classification: Pathogenic. Last evaluated: 2011-08-12. Review status: criteria provided, single submitter. Criteria: Kaminsky et al. (Genet Med. 2011). Collection method: clinical testing. Allele origin: de novo. Affected: yes. Observed: 1 variant allele.
Comment: Copy number variation identified through the course of routine clinical cytogenomic testing in postnatal populations. Clinical assertions have been curated as described in Kaminsky et al. 2011.

GRCh38/hg38 4q31.22-34.1(chr4:147317283-173675559)x3

Genes: LRAT (lecithin retinol acyltransferase; plus strand), LRBA (LPS responsive beige-like anchor protein; minus strand), LRBA-AS1 (LRBA antisense RNA 1; plus strand), MAB21L2 (mab-21 like 2; plus strand), MAP9 (microtubule associated protein 9; minus strand) and 484 more. Cytogenetic location: 4q31.22-34.1.
Variant type: copy number gain.
Change: copy number 3 (three copies instead of two) of chr4:147,317,283-173,675,559 (26.36 Mb, GRCh38 coordinates, 1-based), cytogenetic band 4q31.22-34.1.
Identifiers: ClinVar variation 58045 (VCV000058045.1).